The following is an entry in ClinVar:

NM_006312.6(NCOR2):c.2610C>T (p.Ala870=)

Gene: NCOR2 (nuclear receptor corepressor 2; minus strand). Cytogenetic location: 12q24.31.
Variant type: single nucleotide variant.
Coding change: c.2610C>T on transcript NM_006312.6 (MANE Select); coding-DNA position 2610, C replaced by T.
Protein change: p.Ala870=; no amino-acid change (alanine 870 retained).
Molecular consequence: synonymous variant.
Genome position (GRCh38, 1-based): chr12:124,372,219, G>A on the plus strand (C>T on the coding strand, the complement: NCOR2 is on the minus strand). VCF-style: chr12-124372219-G-A. GRCh37 (hg19) VCF-style: chr12-124856765-G-A.
Other names: c.2556C>T, p.Ala852= (NM_001077261.4, NM_001206654.2).
Identifiers: ClinVar variation 3042754 (VCV003042754.2), dbSNP rs544420996, ClinGen allele CA6869007.

ClinVar aggregate classification (germline): Likely benign (0 of 4 stars; one submission).

Conditions:
NCOR2-related disorder. Also called: NCOR2-related condition.

Allele frequency attached by ClinVar (database versions not stated): ExAC 0.00009; gnomAD 0.00010; 1000 Genomes Project 30x 0.00016; 1000 Genomes Project 0.00020.
gnomAD v4.1: 72 of 1,601,580 alleles (0.0045%); highest among the groups gnomAD compares: South Asian, 0.032%; no homozygotes.

Submission:

PreventionGenetics, part of Exact Sciences
Classification: Likely benign for NCOR2-related condition. Last evaluated: 2019-07-03. Review status: no assertion criteria provided. Collection method: clinical testing. Allele origin: germline.
Comment: This variant is classified as likely benign based on ACMG/AMP sequence variant interpretation guidelines (Richards et al. 2015 PMID: 25741868, with internal and published modifications).